The following is an entry in ClinVar:

ClinVar aggregate classification (germline): Uncertain significance (1 of 4 stars; one submission).

Conditions:
Inborn genetic diseases. Identifiers: MedGen C0950123, MeSH D030342.

gnomAD v4.1: 2 of 1,611,716 alleles (0.00012%); highest among the groups gnomAD compares: Non-Finnish European, 0.00017%; no homozygotes.

Submission:

Ambry Genetics
Classification: Uncertain significance for Inborn genetic diseases. Last evaluated: 2025-09-04. Review status: criteria provided, single submitter. Criteria: Ambry Variant Classification Scheme 2023. Collection method: clinical testing. Allele origin: germline.
Comment: The p.Y33F variant (also known as c.98A>T), located in coding exon 2 of the DDX41 gene, results from an A to T substitution at nucleotide position 98. The tyrosine at codon 33 is replaced by phenylalanine, an amino acid with highly similar properties. This amino acid position is highly conserved in available vertebrate species. In addition, this alteration is predicted to be tolerated by in silico analysis. Based on the available evidence, the clinical significance of this variant remains unclear.

NM_016222.4(DDX41):c.98A>T (p.Tyr33Phe)

Gene: DDX41 (DEAD-box helicase 41; minus strand). Cytogenetic location: 5q35.3.
Variant type: single nucleotide variant.
Coding change: c.98A>T on transcript NM_016222.4 (MANE Select); coding-DNA position 98, A replaced by T.
Protein change: p.Tyr33Phe; replaces tyrosine 33 with phenylalanine.
Molecular consequence: missense variant. On other transcripts: 5 prime UTR variant (2).
Genome position (GRCh38, 1-based): chr5:177,516,765, T>A on the plus strand (A>T on the coding strand, the complement: DDX41 is on the minus strand). VCF-style: chr5-177516765-T-A. GRCh37 (hg19) VCF-style: chr5-176943766-T-A.
Other names: c.-558A>T (NM_001321732.2); c.-350A>T (NM_001321830.2); short protein forms Y33F.
Identifiers: ClinVar variation 4238813 (VCV004238813.1).
Genomic context (GRCh38, chr5:177,516,765, plus strand): 5'-CCCGGACGCGTGCCCCTCACCAGTAGCTGCCGGCGCTGCCGTAACGGCACATAGGGCACG[T>A]AGTCCTCGTCGTCCTCATCTTCCGCCTCGGAGCGGCTTCCTCCGGCAGGCACCTCGTCGG-3'
Protein context (NP_057306.2, residues 23-43): SEAEDEDDED[Tyr33Phe]VPYVPLRQRR